The following is an entry in ClinVar:

ClinVar aggregate classification (germline): Likely benign (1 of 4 stars; one submission).

gnomAD v4.1: 3 of 1,614,038 alleles (0.00019%); highest among the groups gnomAD compares: African/African-American, 0.0027%; no homozygotes.

Submission:

GeneDx
Classification: Likely benign. Last evaluated: 2016-08-18. Review status: criteria provided, single submitter. Criteria: GeneDx Variant Classification (06012015). Collection method: clinical testing. Allele origin: germline. Affected: yes.
Comment: This variant is considered likely benign or benign based on one or more of the following criteria: it is a conservative change, it occurs at a poorly conserved position in the protein, it is predicted to be benign by multiple in silico algorithms, and/or has population frequency not consistent with disease.

NM_000088.4(COL1A1):c.1876-6G>A

Gene: COL1A1 (collagen type I alpha 1 chain; minus strand). Cytogenetic location: 17q21.33.
Variant type: single nucleotide variant.
Coding change: c.1876-6G>A on transcript NM_000088.4 (MANE Select); 6 bases into the intron before coding-DNA position 1876, G replaced by A.
Molecular consequence: intron variant.
Genome position (GRCh38, 1-based): chr17:50,192,699, C>T on the plus strand (G>A on the coding strand, the complement: COL1A1 is on the minus strand). VCF-style: chr17-50192699-C-T. GRCh37 (hg19) VCF-style: chr17-48270060-C-T.
Identifiers: ClinVar variation 388770 (VCV000388770.1), dbSNP rs763222869, ClinGen allele CA16607743.